The following is an entry in ClinVar:

ClinVar aggregate classification (germline): Uncertain significance (1 of 4 stars; one submission).

Conditions:
Cardiovascular phenotype. Identifiers: MedGen CN230736.

gnomAD v4.1: 2 of 1,550,486 alleles (0.00013%); highest among the groups gnomAD compares: South Asian, 0.0024%; no homozygotes.

Submission:

Ambry Genetics
Classification: Uncertain significance for Cardiovascular phenotype. Last evaluated: 2024-07-28. Review status: criteria provided, single submitter. Criteria: Ambry Variant Classification Scheme 2023. Collection method: clinical testing. Allele origin: germline.
Comment: The p.L3903H variant (also known as c.11708T>A), located in coding exon 2 of the ZNF469 gene, results from a T to A substitution at nucleotide position 11708. The leucine at codon 3903 is replaced by histidine, an amino acid with similar properties. This amino acid position is conserved. In addition, this alteration is predicted to be tolerated by in silico analysis. Based on the available evidence, the clinical significance of this variant remains unclear.

NM_001367624.2(ZNF469):c.11792T>A (p.Leu3931His)

Gene: ZNF469 (zinc finger protein 469; plus strand). Cytogenetic location: 16q24.2.
Variant type: single nucleotide variant.
Coding change: c.11792T>A on transcript NM_001367624.2 (MANE Select); coding-DNA position 11792, T replaced by A.
Protein change: p.Leu3931His; replaces leucine 3931 with histidine.
Molecular consequence: missense variant.
Genome position (GRCh38, 1-based): chr16:88,439,262, T>A. VCF-style: chr16-88439262-T-A. GRCh37 (hg19) VCF-style: chr16-88505670-T-A.
Other names: NM_001127464.1:c.11708T>A; short protein forms L3931H.
Identifiers: ClinVar variation 3476171 (VCV003476171.1).